The following is an entry in ClinVar:

NM_004655.4(AXIN2):c.1615G>T (p.Val539Leu)

Gene: AXIN2 (axin 2; minus strand). Cytogenetic location: 17q24.1.
Variant type: single nucleotide variant.
Coding change: c.1615G>T on transcript NM_004655.4 (MANE Select); coding-DNA position 1615, G replaced by T.
Protein change: p.Val539Leu; replaces valine 539 with leucine.
Molecular consequence: missense variant.
Genome position (GRCh38, 1-based): chr17:65,537,421, C>A on the plus strand (G>T on the coding strand, the complement: AXIN2 is on the minus strand). VCF-style: chr17-65537421-C-A. GRCh37 (hg19) VCF-style: chr17-63533539-C-A.
Other names: c.1615G>T (LRG_296t1); c.1615G>T, p.Val539Leu (NM_001363813.1); short protein forms V539L.
Identifiers: ClinVar variation 662417 (VCV000662417.9), dbSNP rs9913621, ClinGen allele CA293098217.

ClinVar aggregate classification (germline): Uncertain significance. Review status: criteria provided, multiple submitters, no conflicts (2 of 4 stars). 2 submissions from 2 submitters: Uncertain significance (2). Last evaluated 2025-09-24.

Conditions:
Hereditary cancer-predisposing syndrome. Also called: Neoplastic Syndromes, Hereditary; Tumor predisposition; Hereditary neoplastic syndrome; Hereditary Cancer Syndrome. Identifiers: Orphanet 140162, MedGen C0027672, MeSH D009386, MONDO:0015356.
Oligodontia-cancer predisposition syndrome. Also called: TOOTH AGENESIS-COLORECTAL CANCER SYNDROME. Identifiers: Orphanet 300576, MedGen C1837750, MONDO:0012075, OMIM 608615. Disease mechanism: loss of function.

Allele frequency attached by ClinVar (database versions not stated): TOPMed 0.00001.
gnomAD v4.1: 1 of 1,613,986 alleles (0.000062%); highest among the groups gnomAD compares: African/African-American, 0.0013%; no homozygotes.

Submissions (2):

Ambry Genetics
Classification: Uncertain significance for Hereditary cancer-predisposing syndrome. Last evaluated: 2025-09-24. Review status: criteria provided, single submitter. Criteria: Ambry Variant Classification Scheme 2023. Collection method: clinical testing. Allele origin: germline.
Comment: The p.V539L variant (also known as c.1615G>T), located in coding exon 5 of the AXIN2 gene, results from a G to T substitution at nucleotide position 1615. The valine at codon 539 is replaced by leucine, an amino acid with highly similar properties. This amino acid position is well conserved in available vertebrate species. In addition, the in silico prediction for this alteration is inconclusive. Based on the available evidence, the clinical significance of this variant remains unclear.

Labcorp Genetics (formerly Invitae), Labcorp
Classification: Uncertain significance for Oligodontia-cancer predisposition syndrome. Last evaluated: 2023-05-02. Review status: criteria provided, single submitter. Criteria: Invitae Variant Classification Sherloc (09022015). Collection method: clinical testing. Allele origin: germline.
Comment: This variant has not been reported in the literature in individuals affected with AXIN2-related conditions. This variant is present in population databases (no rsID available, gnomAD 0.007%). This sequence change replaces valine, which is neutral and non-polar, with leucine, which is neutral and non-polar, at codon 539 of the AXIN2 protein (p.Val539Leu). ClinVar contains an entry for this variant (Variation ID: 662417). In summary, the available evidence is currently insufficient to determine the role of this variant in disease. Therefore, it has been classified as a Variant of Uncertain Significance. Advanced modeling of protein sequence and biophysical properties (such as structural, functional, and spatial information, amino acid conservation, physicochemical variation, residue mobility, and thermodynamic stability) performed at Invitae indicates that this missense variant is not expected to disrupt AXIN2 protein function.